The following is an entry in ClinVar:

ClinVar aggregate classification (germline): Benign. Review status: reviewed by expert panel (3 of 4 stars). 34 submissions from 33 submitters: Benign (1). 33 of the submissions do not count toward it. Last evaluated 2015-08-10.

Conditions:
BRCA1-related disorder. Also called: BRCA1-related condition.
Breast-ovarian cancer, familial, susceptibility to, 1 (BROVCA1). Also called: BRCA1 Hereditary Breast and Ovarian Cancer; OVARIAN CANCER, SUSCEPTIBILITY TO. Identifiers: Orphanet 145, MedGen C2676676, MONDO:0011450, OMIM 604370. Disease mechanism: loss of function.
Familial cancer of breast. Also called: Hereditary breast cancer; BREAST CANCER, FAMILIAL; hereditary breast carcinoma. Identifiers: Orphanet 227535, MedGen C0346153, MONDO:0016419, OMIM 114480. Disease mechanism: loss of function.
Fanconi anemia, complementation group S (FANCS). Identifiers: MedGen C4554406, MONDO:0054748, OMIM 617883.
Pancreatic cancer, susceptibility to, 4. Identifiers: Orphanet 1333, MedGen C3280442, MONDO:0013685, OMIM 614320.
Hereditary cancer-predisposing syndrome. Also called: Tumor predisposition; Neoplastic Syndromes, Hereditary; Hereditary Cancer Syndrome; Hereditary neoplastic syndrome. Identifiers: Orphanet 140162, MedGen C0027672, MeSH D009386, MONDO:0015356.
Breast neoplasm. Also called: Neoplasm of breast; Breast tumor; Breast Neoplasms; Neoplasm of the breast. Identifiers: MedGen C1458155, MeSH D001943, MONDO:0021100, HP:0100013. Disease mechanism: gain of function.
Hereditary breast ovarian cancer syndrome. Also called: Hereditary breast and ovarian cancer syndrome; Hereditary breast and ovarian cancer; Hereditary breast and ovarian cancer syndrome (HBOC); Hereditary breast and/or ovarian cancer syndrome; Breast and ovarian cancer; BRCA1- and BRCA2-Associated Hereditary Breast and Ovarian Cancer. Identifiers: Orphanet 145, MedGen C0677776, MeSH D061325, MONDO:0003582. Disease mechanism: loss of function.
Malignant tumor of breast. Also called: Cancer breast; Malignant breast neoplasm. Identifiers: MedGen C0006142, MONDO:0007254. Disease mechanism: loss of function.

Allele frequency attached by ClinVar (database versions not stated): 1000 Genomes Project 0.00260; ESP Exome Variant Server 0.00031; TOPMed 0.00035; gnomAD exomes 0.00094 and 0.00147; gnomAD 0.00098 and 0.00113; ExAC 0.00152; 1000 Genomes Project 30x 0.00203.

Submissions 1 to 19 of 34:

Evidence-based Network for the Interpretation of Germline Mutant Alleles (ENIGMA)
Classification: Benign for Breast-ovarian cancer, familial 1. Last evaluated: 2015-08-10. Review status: reviewed by expert panel. Criteria: ENIGMA BRCA1/2 Classification Criteria (2015). Collection method: curation. Allele origin: germline.
Comment: IARC class based on posterior probability from multifactorial likelihood analysis, thresholds for class as per Plon et al. 2008 (PMID: 18951446). Class 1 based on posterior probability = 0.00000495. Also class 1 based on frequency >1% in an outbred sampleset. Frequency 0.01399 (Asian), derived from 1000 genomes (2012-04-30).

Labcorp Genetics (formerly Invitae), Labcorp
Classification: Benign for Hereditary breast ovarian cancer syndrome. Last evaluated: 2026-02-03. Review status: criteria provided, single submitter. Criteria: Invitae Variant Classification Sherloc (09022015). Collection method: clinical testing. Allele origin: germline. Not counted in ClinVar's aggregate classification.

CeGaT Center for Human Genetics Tuebingen
Classification: Likely benign. Last evaluated: 2026-01-01. Review status: criteria provided, single submitter. Criteria: CeGaT Center For Human Genetics Tuebingen Variant Classification Criteria Version 2. Collection method: clinical testing. Allele origin: germline. Affected: yes. Observed: 20 variant alleles. Not counted in ClinVar's aggregate classification.
Comment: BRCA1: BP4, BS1

ARUP Laboratories, Molecular Genetics and Genomics, ARUP Laboratories
Classification: Benign. Last evaluated: 2025-07-08. Review status: criteria provided, single submitter. Criteria: ARUP Molecular Germline Variant Investigation Process 2024. Collection method: clinical testing. Allele origin: germline. Not counted in ClinVar's aggregate classification.

Center for Genomic Medicine, Rigshospitalet, Copenhagen University Hospital
Classification: Benign. Last evaluated: 2025-03-04. Review status: criteria provided, single submitter. Criteria: ACMG Guidelines, 2015. Collection method: clinical testing. Allele origin: germline. Not counted in ClinVar's aggregate classification.

KCCC/NGS Laboratory, Kuwait Cancer Control Center
Classification: Benign for Breast-ovarian cancer, familial, susceptibility to, 1. Last evaluated: 2025-02-01. Review status: criteria provided, single submitter. Criteria: ACMG Guidelines, 2015. Collection method: clinical testing. Allele origin: germline. Affected: no. Not counted in ClinVar's aggregate classification.

Blueprint Genetics
Classification: Likely benign. Last evaluated: 2024-11-21. Review status: criteria provided, single submitter. Criteria: ACMG Guidelines, 2015. Collection method: clinical testing. Allele origin: germline. Not counted in ClinVar's aggregate classification.

Institute for Biomarker Research, Medical Diagnostic Laboratories, L.L.C.
Classification: Benign for Hereditary breast ovarian cancer syndrome. Last evaluated: 2024-02-27. Review status: criteria provided, single submitter. Criteria: ACMG Guidelines, 2015. Collection method: clinical testing. Allele origin: germline. Not counted in ClinVar's aggregate classification.

Mayo Clinic Laboratories, Mayo Clinic
Classification: Benign. Last evaluated: 2022-07-19. Review status: criteria provided, single submitter. Criteria: ACMG Guidelines, 2015. Collection method: clinical testing. Allele origin: germline. Observed: 2 variant alleles. Not counted in ClinVar's aggregate classification.
Comment: BS1, BS3, BP6

Fulgent Genetics
Classification: Likely benign for Familial cancer of breast; Breast-ovarian cancer, familial, susceptibility to, 1; Pancreatic cancer, susceptibility to, 4; Fanconi anemia, complementation group S. Last evaluated: 2022-05-24. Review status: criteria provided, single submitter. Criteria: ACMG Guidelines, 2015. Collection method: clinical testing. Allele origin: unknown. Not counted in ClinVar's aggregate classification.

National Health Laboratory Service, Universitas Academic Hospital and University of the Free State
Classification: Benign for Hereditary breast ovarian cancer syndrome. Last evaluated: 2022-04-19. Review status: criteria provided, single submitter. Criteria: ACMG Guidelines, 2015. Collection method: clinical testing. Allele origin: germline. Affected: yes. Observed: 1 variant allele. Not counted in ClinVar's aggregate classification.

Genetic Services Laboratory, University of Chicago
Classification: Benign. Last evaluated: 2021-11-22. Review status: criteria provided, single submitter. Criteria: ACMG Guidelines, 2015. Collection method: clinical testing. Allele origin: germline. Affected: no. Not counted in ClinVar's aggregate classification.

Sema4
Classification: Benign for Hereditary cancer-predisposing syndrome. Last evaluated: 2020-10-16. Review status: criteria provided, single submitter. Criteria: Sema4 Curation Guidelines. Collection method: curation. Allele origin: germline. Not counted in ClinVar's aggregate classification.

Mendelics
Classification: Benign for Breast-ovarian cancer, familial, susceptibility to, 1. Last evaluated: 2019-05-28. Review status: criteria provided, single submitter. Criteria: Mendelics Assertion Criteria 2017. Collection method: clinical testing. Allele origin: unknown. Not counted in ClinVar's aggregate classification.

Genome Diagnostics Laboratory, University Medical Center Utrecht
Classification: Benign for Breast-ovarian cancer, familial, susceptibility to, 1. Last evaluated: 2017-07-28. Review status: criteria provided, single submitter. Criteria: ACGS Guidelines, 2013. Collection method: clinical testing. Allele origin: germline. Affected: yes. Study: VKGL Data-share Consensus. Not counted in ClinVar's aggregate classification.

Illumina Laboratory Services, Illumina
Classification: Benign for Breast-ovarian cancer, familial, susceptibility to, 1. Last evaluated: 2017-04-27. Review status: criteria provided, single submitter. Criteria: ICSL Variant Classification Criteria 13 December 2019. Collection method: clinical testing. Allele origin: germline. Not counted in ClinVar's aggregate classification.
Comment: This variant was observed as part of a predisposition screen in an ostensibly healthy population. A literature search was performed for the gene, cDNA change, and amino acid change (where applicable). Publications were found based on this search. The evidence from the literature, in combination with allele frequency data from public databases where available, was sufficient to rule this variant out of causing disease. Therefore, this variant is classified as benign.

CHEO Genetics Diagnostic Laboratory, Children's Hospital of Eastern Ontario
Classification: Benign. Last evaluated: 2016-12-29. Review status: criteria provided, single submitter. Criteria: ACMG Guidelines, 2015. Collection method: clinical testing. Allele origin: germline. Study: The Canadian Open Genetics Repository (COGR). Not counted in ClinVar's aggregate classification.

Department of Pathology and Laboratory Medicine, Sinai Health System
Classification: Benign for Familial cancer of breast; Breast-ovarian cancer, familial, susceptibility to, 1; Fanconi anemia, complementation group S. Last evaluated: 2016-11-24. Review status: criteria provided, single submitter. Criteria: ACMG Guidelines, 2015. Collection method: clinical testing. Allele origin: germline. Affected: yes. Not counted in ClinVar's aggregate classification.

Molecular Genetics Laboratory, University of Michigan
Classification: Benign for Breast-ovarian cancer, familial, susceptibility to, 1. Last evaluated: 2016-04-21. Review status: criteria provided, single submitter. Criteria: ACMG Guidelines, 2015. Collection method: clinical testing. Allele origin: germline. Affected: yes. Not counted in ClinVar's aggregate classification.

NM_007294.4(BRCA1):c.4883T>C (p.Met1628Thr)

Gene: BRCA1 (BRCA1 DNA repair associated; minus strand). Cytogenetic location: 17q21.31.
Variant type: single nucleotide variant.
Coding change: c.4883T>C on transcript NM_007294.4 (MANE Select); coding-DNA position 4883, T replaced by C.
Protein change: p.Met1628Thr; replaces methionine 1628 with threonine.
Molecular consequence: missense variant. On other transcripts: non-coding transcript variant (1).
Genome position (GRCh38, 1-based): chr17:43,071,031, A>G on the plus strand (T>C on the coding strand, the complement: BRCA1 is on the minus strand). VCF-style: chr17-43071031-A-G. GRCh37 (hg19) VCF-style: chr17-41223048-A-G.
Other names: 5002T>C; NP_009225.1:p.Met1628Thr; c.4670T>C, p.Met1557Thr (NM_001407571.1, NM_001407902.1, NM_001407904.1 and 12 more transcripts); c.4949T>C, p.Met1650Thr (NM_001407581.1, NM_001407582.1); c.4946T>C, p.Met1649Thr (NM_001407583.1, NM_001407585.1, NM_001407587.1 and 1 more transcripts); c.4943T>C, p.Met1648Thr (NM_001407590.1, NM_001407591.1); c.4883T>C, p.Met1628Thr (NM_001407593.1, NM_001407594.1, NM_001407596.1 and 8 more transcripts); c.4880T>C, p.Met1627Thr (NM_001407610.1, NM_001407611.1, NM_001407612.1 and 17 more transcripts); and 72 more; short protein forms M1628T, M1649T, M524T, M1581T, M485T, M498T, M1501T, M1539T.
Identifiers: ClinVar variation 41828 (VCV000041828.90), dbSNP rs4986854, ClinGen allele CA003062.